The following is an entry in ClinVar:

ClinVar aggregate classification (germline): Conflicting classifications of pathogenicity. Review status: criteria provided, conflicting classifications (1 of 4 stars). 3 submissions from 3 submitters: Likely pathogenic (1); Uncertain significance (1). 1 of the submissions does not count toward it. Last evaluated 2025-10-25.

Conditions:
Hereditary angioedema type 1 (HAE1). Identifiers: Orphanet 100050, Orphanet 100051, Orphanet 91378, MedGen C2717906, MONDO:0015053, OMIM 106100.

Submissions (3):

Labcorp Genetics (formerly Invitae), Labcorp
Classification: Uncertain significance. Last evaluated: 2025-10-25. Review status: criteria provided, single submitter. Criteria: Invitae Variant Classification Sherloc (09022015). Collection method: clinical testing. Allele origin: germline.
Comment: This sequence change replaces aspartic acid, which is acidic and polar, with glycine, which is neutral and non-polar, at codon 497 of the SERPING1 protein (p.Asp497Gly). This variant is not present in population databases (gnomAD no frequency). This missense change has been observed in individuals with autosomal dominant hereditary angioedema (PMID: 22994404; internal data). ClinVar contains an entry for this variant (Variation ID: 68249). Invitae Evidence Modeling of protein sequence and biophysical properties (such as structural, functional, and spatial information, amino acid conservation, physicochemical variation, residue mobility, and thermodynamic stability) has been performed for this missense variant. However, the output from this modeling did not meet the statistical confidence thresholds required to predict the impact of this variant on SERPING1 protein function. In summary, the available evidence is currently insufficient to determine the role of this variant in disease. Therefore, it has been classified as a Variant of Uncertain Significance.

DNA-diagnostics Laboratory, Research Centre For Medical Genetics
Classification: Likely pathogenic for Hereditary angioedema type 1. Last evaluated: 2024-06-01. Review status: criteria provided, single submitter. Criteria: ACMG Guidelines, 2015. Collection method: research. Allele origin: germline. Inheritance: Autosomal dominant inheritance. Affected: yes. Observed: 2 variant alleles, 2 heterozygotes.
Comment: According to our observation and the published information of Xu et all, 2012, the c.1490A>G variant in SERPING1 meets ACMG/ClinGen SVI guidance criteria to be classified as likely pathogenic: PP4_Str, PS4_Mod, PM2_Sup, PP2, PP3

UniProtKB/Swiss-Prot
No classification provided. Review status: no classification provided. Collection method: not provided. Allele origin: not provided. Not counted in ClinVar's aggregate classification.

Literature cited by the submitters: PubMed 22994404 (cited by Labcorp Genetics (formerly Invitae), Labcorp and DNA-diagnostics Laboratory, Research Centre For Medical Genetics).

NM_000062.3(SERPING1):c.1490A>G (p.Asp497Gly)

Gene: SERPING1 (serpin family G member 1; plus strand). Cytogenetic location: 11q12.1.
Variant type: single nucleotide variant.
Coding change: c.1490A>G on transcript NM_000062.3 (MANE Select); coding-DNA position 1490, A replaced by G.
Protein change: p.Asp497Gly; replaces aspartic acid 497 with glycine.
Molecular consequence: missense variant.
Genome position (GRCh38, 1-based): chr11:57,614,568, A>G. VCF-style: chr11-57614568-A-G. GRCh37 (hg19) VCF-style: chr11-57382041-A-G.
Other names: c.1490A>G, p.Asp497Gly (NM_001032295.2); short protein forms D497G.
Identifiers: ClinVar variation 68249 (VCV000068249.4), dbSNP rs281875178, ClinGen allele CA219259.